The following is an entry in ClinVar:

NM_001165963.4(SCN1A):c.5416G>T (p.Glu1806Ter)

Genes: SCN1A (sodium voltage-gated channel alpha subunit 1; minus strand), LOC102724058 (uncharacterized LOC102724058; plus strand). Cytogenetic location: 2q24.3.
Variant type: single nucleotide variant.
Coding change: c.5416G>T on transcript NM_001165963.4 (MANE Select); coding-DNA position 5416, G replaced by T.
Protein change: p.Glu1806Ter; replaces glutamic acid 1806 with a stop codon.
Molecular consequence: nonsense. On other transcripts: non-coding transcript variant (1).
Genome position (GRCh38, 1-based): chr2:165,991,859, C>A on the plus strand (G>T on the coding strand, the complement: SCN1A is on the minus strand). VCF-style: chr2-165991859-C-A. GRCh37 (hg19) VCF-style: chr2-166848369-C-A.
Other names: p.E1806*:GAG>TAG; c.5332G>T, p.Glu1778Ter (NM_001165964.3, NM_001353957.2, NM_001353958.2); c.5416G>T, p.Glu1806Ter (NM_001202435.3, NM_001353948.2); c.5383G>T, p.Glu1795Ter (NM_001353949.2, NM_001353950.2, NM_001353951.2 and 2 more transcripts); c.5380G>T, p.Glu1794Ter (NM_001353954.2, NM_001353955.2); c.5329G>T, p.Glu1777Ter (NM_001353960.2); c.2974G>T, p.Glu992Ter (NM_001353961.2); short protein forms E1795*, E1806*, E1777*, E1778*, E992*, E1794*.
Identifiers: ClinVar variation 206865 (VCV000206865.2), dbSNP rs796053039, ClinGen allele CA317605.

ClinVar aggregate classification (germline): Pathogenic (1 of 4 stars; one submission).

Submission:

GeneDx
Classification: Pathogenic. Last evaluated: 2016-07-20. Review status: criteria provided, single submitter. Criteria: GeneDx Variant Classification (06012015). Collection method: clinical testing. Allele origin: germline. Affected: yes.
Comment: p.Glu1806Stop (GAG>TAG): c.5416 G>T in exon 26 of the SCN1A gene (NM_001165963.1) The Glu1806Stop nonsense mutation in the SCN1A gene is predicted to cause loss of normal protein function through protein truncation. The variant is found in EPILEPSY panel(s).